The following is an entry in ClinVar:

NM_078480.3(PUF60):c.1471G>A (p.Gly491Arg)

Gene: PUF60 (poly(U) binding splicing factor 60; minus strand). Cytogenetic location: 8q24.3.
Variant type: single nucleotide variant.
Coding change: c.1471G>A on transcript NM_078480.3 (MANE Select); coding-DNA position 1471, G replaced by A.
Protein change: p.Gly491Arg; replaces glycine 491 with arginine.
Molecular consequence: missense variant.
Genome position (GRCh38, 1-based): chr8:143,816,729, C>T on the plus strand (G>A on the coding strand, the complement: PUF60 is on the minus strand). VCF-style: chr8-143816729-C-T. GRCh37 (hg19) VCF-style: chr8-144898899-C-T.
Other names: c.1342G>A, p.Gly448Arg (NM_001136033.3); c.1417G>A, p.Gly473Arg (NM_001271096.2); c.1333G>A, p.Gly445Arg (NM_001271097.2); c.1468G>A, p.Gly490Arg (NM_001271098.2); c.1384G>A, p.Gly462Arg (NM_001271099.2); c.1291G>A, p.Gly431Arg (NM_001271100.2); c.1582G>A, p.Gly528Arg (NM_001362895.2, NM_001362896.2); c.1531G>A, p.Gly511Arg (NM_001362897.2); and 1 more; short protein forms G431R, G445R, G448R, G462R, G473R, G474R, G490R, G491R.
Identifiers: ClinVar variation 986397 (VCV000986397.8), dbSNP rs1816336903, ClinGen allele CA372485606.

ClinVar aggregate classification (germline): Pathogenic/Likely pathogenic. Review status: criteria provided, multiple submitters, no conflicts (2 of 4 stars). 5 submissions from 5 submitters: Pathogenic (3); Likely pathogenic (2). Last evaluated 2022-09-23.

Conditions:
8q24.3 microdeletion syndrome. Also called: CHROMOSOME 8q24.3 DELETION SYNDROME; Verheij syndrome. Identifiers: Orphanet 508488, MedGen C3810023, MONDO:0014263, OMIM 615583.
PUF60-related disorder. Also called: PUF60-related condition.

Submissions (5):

GeneDx
Classification: Pathogenic. Last evaluated: 2022-09-23. Review status: criteria provided, single submitter. Criteria: GeneDx Variant Classification Process June 2021. Collection method: clinical testing. Allele origin: germline. Affected: yes.
Comment: Reported as a de novo variant in an individual with schizophrenia, but additional clinical information was not included (Fromer et al., 2014); Not observed at significant frequency in large population cohorts (gnomAD); In silico analysis supports that this missense variant has a deleterious effect on protein structure/function; This variant is associated with the following publications: (PMID: 24463507)

Institute of Human Genetics, University of Leipzig Medical Center
Classification: Likely pathogenic for 8q24.3 microdeletion syndrome. Last evaluated: 2022-08-08. Review status: criteria provided, single submitter. Criteria: ACMG Guidelines, 2015. Collection method: clinical testing. Allele origin: de novo. Affected: yes.
Comment: This variant was identified as de novo (maternity and paternity confirmed)._x000D_ Criteria applied: PS2_MOD, PM5, PS4_SUP, PM2_SUP, PP3

Victorian Clinical Genetics Services, Murdoch Childrens Research Institute
Classification: Pathogenic for 8q24.3 microdeletion syndrome. Last evaluated: 2022-06-24. Review status: criteria provided, single submitter. Criteria: ACMG Guidelines, 2015. Collection method: clinical testing. Allele origin: germline. Inheritance: Autosomal dominant inheritance. Affected: yes.
Comment: Based on the classification scheme VCGS_Germline_v1.3.4, this variant is classified as Pathogenic. Following criteria are met: 0102 - Loss of function is a known mechanism of disease in this gene and is associated with Verheij syndrome (MIM#615583). (I) 0107 - This gene is associated with autosomal dominant disease. (I) 0115 - Variants in this gene are known to have variable expressivity (PMID: 28327570). (I) 0200 - Variant is predicted to result in a missense amino acid change from glycine to arginine. (I) 0251 - This variant is heterozygous. (I) 0301 - Variant is absent from gnomAD (both v2 and v3). (SP) 0501 - Missense variant consistently predicted to be damaging by multiple in silico tools or highly conserved with a major amino acid change. (SP) 0603 - Missense variant in a region that is highly intolerant to missense variation (high constraint region in DECIPHER). (SP) 0704 - Another missense variant comparable to the one identified in this case has limited previous evidence for pathogenicity. p.(Gly491Glu) has been observed as de novo in one individual with syndromic developmental delay (DECIPHER, PMID: 28327570). (SP) 0803 - This variant has limited previous evidence of pathogenicity in two unrelated individuals. This variant has been classified as pathogenic in one individual with syndromic intellectual disability (DECIPHER), and classified as likely pathogenic by a clinical laboratory in ClinVar. (SP) 0905 - No published segregation evidence has been identified for this variant. (I) 1007 - No published functional evidence has been identified for this variant. (SP) Legend: (SP) - Supporting pathogenic, (I) - Information, (SB) - Supporting benign

Blueprint Genetics
Classification: Likely pathogenic for PUF60-related disorders. Last evaluated: 2020-01-15. Review status: criteria provided, single submitter. Criteria: ACMG Guidelines, 2015. Collection method: clinical testing. Allele origin: germline. Affected: yes. Observed: 1 variant allele.

Clinical Genetics Service, Universitary Hospital 12 de Octubre
Classification: Pathogenic for 8q24.3 microdeletion syndrome. Review status: criteria provided, single submitter. Criteria: ACMG Guidelines, 2015. Collection method: clinical testing. Allele origin: de novo. Affected: yes.

Literature cited by the submitters: PubMed 28327570 (cited by Victorian Clinical Genetics Services, Murdoch Childrens Research Institute).